The following is an entry in ClinVar:

NM_020812.4(DOCK6):c.413C>T (p.Thr138Ile)

Gene: DOCK6 (dedicator of cytokinesis 6; minus strand). Cytogenetic location: 19p13.2.
Variant type: single nucleotide variant.
Coding change: c.413C>T on transcript NM_020812.4 (MANE Select); coding-DNA position 413, C replaced by T.
Protein change: p.Thr138Ile; replaces threonine 138 with isoleucine.
Molecular consequence: missense variant.
Genome position (GRCh38, 1-based): chr19:11,252,213, G>A on the plus strand (C>T on the coding strand, the complement: DOCK6 is on the minus strand). VCF-style: chr19-11252213-G-A. GRCh37 (hg19) VCF-style: chr19-11362889-G-A.
Other names: c.413C>T, p.Thr138Ile (NM_001367830.1); short protein forms T138I.
Identifiers: ClinVar variation 3687510 (VCV003687510.2).
Genomic context (GRCh38, chr19:11,252,213, plus strand): 5'-GCATCCTGCTCAAAGACCTGGCGGGGGAGGCCCTTCTGTCGCTCCCGCTGTGTGTCTGTG[G>A]TGACGGGGCTGTATGCTGCACTCAGGTACTGATACCTAGCAGGAAACGGGGCTGGGCAGG-3'
Protein context (NP_065863.2, residues 128-148): QYLSAAYSPV[Thr138Ile]TDTQRERQKG

ClinVar aggregate classification (germline): Uncertain significance (1 of 4 stars; one submission).

Submission:

Labcorp Genetics (formerly Invitae), Labcorp
Classification: Uncertain significance. Last evaluated: 2025-09-08. Review status: criteria provided, single submitter. Criteria: Invitae Variant Classification Sherloc (09022015). Collection method: clinical testing. Allele origin: germline.
Comment: This sequence change replaces threonine, which is neutral and polar, with isoleucine, which is neutral and non-polar, at codon 138 of the DOCK6 protein (p.Thr138Ile). This variant is present in population databases (no rsID available, gnomAD 0.001%). This variant has not been reported in the literature in individuals affected with DOCK6-related conditions. ClinVar contains an entry for this variant (Variation ID: 3687510). Invitae Evidence Modeling of protein sequence and biophysical properties (such as structural, functional, and spatial information, amino acid conservation, physicochemical variation, residue mobility, and thermodynamic stability) indicates that this missense variant is not expected to disrupt DOCK6 protein function with a negative predictive value of 80%. In summary, the available evidence is currently insufficient to determine the role of this variant in disease. Therefore, it has been classified as a Variant of Uncertain Significance.